The following is an entry in ClinVar:

ClinVar aggregate classification (germline): Likely benign (1 of 4 stars; one submission).

Submission:

Laboratory for Molecular Medicine, Mass General Brigham Personalized Medicine
Classification: Likely benign. Last evaluated: 2016-04-18. Review status: criteria provided, single submitter. Criteria: LMM Criteria. Collection method: clinical testing. Allele origin: germline. Observed: 1 variant allele.
Comment: m.1461A>G in MTRNR1: This variant is not expected to have clinical significance because it has been identified at high frequency in several haplogroups includin g L6b, L6a, and H2.

NC_012920.1(MT-RNR1):m.1461A>G

Gene: MT-RNR1 (mitochondrially encoded 12S RNA; plus strand).
Variant type: single nucleotide variant.
Genome position: chrM-1461-A-G.
Identifiers: ClinVar variation 504960 (VCV000504960.4), dbSNP rs1556422534, ClinGen allele CA658799937.